The following is an entry in ClinVar:

ClinVar aggregate classification (germline): Uncertain significance (1 of 4 stars; one submission).

Conditions:
Cardiac anomalies - developmental delay - facial dysmorphism syndrome (MRFACD). Also called: MED13L Syndrome; Impaired intellectual development and distinctive facial features with or without cardiac defects. Identifiers: Orphanet 369891, MedGen C5192431, MONDO:0014773, OMIM 616789.

Submission:

Baylor Genetics
Classification: Uncertain significance for Cardiac anomalies - developmental delay - facial dysmorphism syndrome. Last evaluated: 2020-11-30. Review status: criteria provided, single submitter. Criteria: ACMG Guidelines, 2015. Collection method: clinical testing. Allele origin: unknown. Affected: yes.
Comment: This variant was determined to be of uncertain significance according to ACMG Guidelines, 2015 [PMID:25741868].

NM_015335.5(MED13L):c.1656A>G (p.Ile552Met)

Gene: MED13L (mediator complex subunit 13L; minus strand). Cytogenetic location: 12q24.21.
Variant type: single nucleotide variant.
Coding change: c.1656A>G on transcript NM_015335.5 (MANE Select); coding-DNA position 1656, A replaced by G.
Protein change: p.Ile552Met; replaces isoleucine 552 with methionine.
Molecular consequence: missense variant.
Genome position (GRCh38, 1-based): chr12:116,008,757, T>C on the plus strand (A>G on the coding strand, the complement: MED13L is on the minus strand). VCF-style: chr12-116008757-T-C. GRCh37 (hg19) VCF-style: chr12-116446562-T-C.
Other names: short protein forms I552M.
Identifiers: ClinVar variation 1030491 (VCV001030491.1), dbSNP rs746110094, ClinGen allele CA386895841.